The following is an entry in ClinVar:

ClinVar aggregate classification (germline): Conflicting classifications of pathogenicity. Review status: criteria provided, conflicting classifications (1 of 4 stars). 6 submissions from 6 submitters: Pathogenic (2); Likely pathogenic (2); Uncertain significance (2). Last evaluated 2025-10-23.

Conditions:
KANSL1-related disorder. Also called: KANSL1-related condition.
Koolen-de Vries syndrome (KDVS). Identifiers: Orphanet 96169, MedGen C1864871, MONDO:0012496, OMIM 610443.

Submissions (6):

GeneDx
Classification: Pathogenic. Last evaluated: 2025-10-23. Review status: criteria provided, single submitter. Criteria: GeneDx Variant Classification Process June 2021. Collection method: clinical testing. Allele origin: germline. Affected: yes.
Comment: Not observed at significant frequency in large population cohorts (gnomAD); In silico analysis supports that this missense variant has a deleterious effect on protein structure/function; Missense variant in a gene in which most reported pathogenic variants are truncating/loss of function; This variant is associated with the following publications: (PMID: 36150256, 31273778, 39654190, 35982159, 33057194)

Labcorp Genetics (formerly Invitae), Labcorp
Classification: Pathogenic for Koolen-de Vries syndrome. Last evaluated: 2025-02-19. Review status: criteria provided, single submitter. Criteria: Invitae Variant Classification Sherloc (09022015). Collection method: clinical testing. Allele origin: germline.
Comment: This sequence change replaces arginine, which is basic and polar, with tryptophan, which is neutral and slightly polar, at codon 592 of the KANSL1 protein (p.Arg592Trp). This variant is not present in population databases (gnomAD no frequency). This missense change has been observed in individual(s) with clinical features of Koolen-de Vries syndrome (PMID: 31273778, 36150256; internal data). In at least one individual the variant was observed to be de novo. ClinVar contains an entry for this variant (Variation ID: 468399). Invitae Evidence Modeling of protein sequence and biophysical properties (such as structural, functional, and spatial information, amino acid conservation, physicochemical variation, residue mobility, and thermodynamic stability) has been performed for this missense variant. However, the output from this modeling did not meet the statistical confidence thresholds required to predict the impact of this variant on KANSL1 protein function. For these reasons, this variant has been classified as Pathogenic.

Blueprint Genetics
Classification: Likely pathogenic for KANSL1-related disorders. Last evaluated: 2020-07-12. Review status: criteria provided, single submitter. Criteria: ACMG Guidelines, 2015. Collection method: clinical testing. Allele origin: germline. Affected: yes. Observed: 1 variant allele.

Laboratoire Génétique Moléculaire, CHRU TOURS
Classification: Likely pathogenic. Last evaluated: 2020-04-06. Review status: criteria provided, single submitter. Criteria: ACMG Guidelines, 2015. Collection method: clinical testing. Allele origin: de novo. Affected: yes.

Revvity Omics, Revvity
Classification: Uncertain significance for Koolen-de Vries syndrome. Last evaluated: 2020-02-19. Review status: criteria provided, single submitter. Criteria: ACMG Guidelines, 2015. Collection method: clinical testing. Allele origin: germline.

Juno Genomics, Hangzhou Juno Genomics, Inc
Classification: Uncertain significance for Koolen-de Vries syndrome. Review status: criteria provided, single submitter. Criteria: ACMG Guidelines, 2015. Collection method: clinical testing. Allele origin: germline. Affected: yes.
Comment: Absent from controls (or at extremely low frequency if recessive) in Genome Aggregation Database, Exome Sequencing Project, 1000 Genomes Project, or Exome Aggregation Consortium.;De novo (both maternity and paternity confirmed) in a patient with the disease and no family history.;The prevalence of the variant in affected individuals is significantly increased compared to the prevalence in controls.;Patient's phenotype or family history is highly specific for a disease with a single genetic etiology.

Literature cited by the submitters: PubMed 31273778 (cited by Labcorp Genetics (formerly Invitae), Labcorp); PubMed 36150256 (cited by Labcorp Genetics (formerly Invitae), Labcorp).

NM_015443.4(KANSL1):c.1774C>T (p.Arg592Trp)

Gene: KANSL1 (KAT8 regulatory NSL complex subunit 1). Cytogenetic location: 17q21.31.
Variant type: single nucleotide variant.
Coding change: c.1774C>T on transcript NM_015443.4 (MANE Select); coding-DNA position 1774, C replaced by T.
Protein change: p.Arg592Trp; replaces arginine 592 with tryptophan.
Molecular consequence: missense variant.
Genome position (GRCh38, 1-based): chr17:46,066,611, G>A on the plus strand (C>T on the coding strand, the complement: KANSL1 is on the minus strand). VCF-style: chr17-46066611-G-A. GRCh37 (hg19) VCF-style: chr17-44143977-G-A.
Other names: c.1774C>T, p.Arg592Trp (NM_001193465.2, NM_001193466.2, NM_001379198.1); short protein forms R592W.
Identifiers: ClinVar variation 468399 (VCV000468399.18), dbSNP rs774841964, ClinGen allele CA399986479.